The following is an entry in ClinVar:

NM_001378454.1(ALMS1):c.8920C>T (p.Pro2974Ser)

Gene: ALMS1 (ALMS1 centrosome and basal body associated protein; plus strand). Cytogenetic location: 2p13.1.
Variant type: single nucleotide variant.
Coding change: c.8920C>T on transcript NM_001378454.1 (MANE Select); coding-DNA position 8920, C replaced by T.
Protein change: p.Pro2974Ser; replaces proline 2974 with serine.
Molecular consequence: missense variant.
Genome position (GRCh38, 1-based): chr2:73,490,879, C>T. VCF-style: chr2-73490879-C-T. GRCh37 (hg19) VCF-style: chr2-73718006-C-T.
Other names: c.8923C>T, p.Pro2975Ser (NM_015120.4); short protein forms P2975S, P2974S.
Identifiers: ClinVar variation 403947 (VCV000403947.14), dbSNP rs1043429291, ClinGen allele CA16611112.

ClinVar aggregate classification (germline): Conflicting classifications of pathogenicity. Review status: criteria provided, conflicting classifications (1 of 4 stars). 5 submissions from 5 submitters: Uncertain significance (3); Likely benign (1). 1 of the submissions does not count toward it. Last evaluated 2024-12-11.

Conditions:
Cardiovascular phenotype. Identifiers: MedGen CN230736.
Alstrom syndrome (ALMS). Identifiers: Orphanet 64, MedGen C0268425, MONDO:0008763, OMIM 203800.

Allele frequency attached by ClinVar (database versions not stated): gnomAD exomes 0.00001 and 0.00002; TOPMed 0.00002; gnomAD 0.00003.
gnomAD v4.1: 31 of 1,614,006 alleles (0.0019%); highest among the groups gnomAD compares: African/African-American, 0.0027%; no homozygotes.

Submissions (5):

GeneDx
Classification: Uncertain significance. Last evaluated: 2024-12-11. Review status: criteria provided, single submitter. Criteria: GeneDx Variant Classification Process June 2021. Collection method: clinical testing. Allele origin: germline. Affected: yes.
Comment: Not observed at significant frequency in large population cohorts (gnomAD); In silico analysis indicates that this missense variant does not alter protein structure/function; Has not been previously published as pathogenic or benign to our knowledge

Ambry Genetics
Classification: Likely benign for Cardiovascular phenotype. Last evaluated: 2024-05-10. Review status: criteria provided, single submitter. Criteria: Ambry Variant Classification Scheme 2023. Collection method: clinical testing. Allele origin: germline.

Labcorp Genetics (formerly Invitae), Labcorp
Classification: Uncertain significance for Alstrom syndrome. Last evaluated: 2021-09-01. Review status: criteria provided, single submitter. Criteria: Invitae Variant Classification Sherloc (09022015). Collection method: clinical testing. Allele origin: germline.

Stanford Center for Inherited Cardiovascular Disease, Stanford University
Classification: Uncertain significance. Last evaluated: 2017-02-20. Review status: criteria provided, single submitter. Criteria: ACMG Guidelines, 2015. Collection method: provider interpretation. Allele origin: germline.

Natera, Inc.
Classification: Uncertain significance for Alstrom syndrome. Last evaluated: 2021-03-20. Review status: no assertion criteria provided. Collection method: clinical testing. Allele origin: germline. Not counted in ClinVar's aggregate classification.